The following is an entry in ClinVar:

NM_015681.6(B9D1):c.342-1G>T

Gene: B9D1 (B9 domain containing 1; minus strand). Cytogenetic location: 17p11.2.
Variant type: single nucleotide variant.
Coding change: c.342-1G>T on transcript NM_015681.6 (MANE Select); the canonical splice acceptor site of the intron before coding-DNA position 342, G replaced by T.
Molecular consequence: splice acceptor variant.
Genome position (GRCh38, 1-based): chr17:19,347,332, C>A on the plus strand (G>T on the coding strand, the complement: B9D1 is on the minus strand). VCF-style: chr17-19347332-C-A. GRCh37 (hg19) VCF-style: chr17-19250645-C-A.
Other names: c.-19-1G>T (NM_001368769.2); c.342-1G>T (NM_001321219.2, NM_001321218.2, NM_001321217.2 and 4 more transcripts).
Identifiers: ClinVar variation 2923503 (VCV002923503.3), dbSNP rs1908964770, ClinGen allele CA398695971.
Genomic context (GRCh38, chr17:19,347,332, plus strand): 5'-GTAAACTTCTGCAGTTTAGACGTAGATTCTGGGACAAACATGGGGATGGTCCTTTTGTGC[C>A]TGAAACAAATGTTTTTGCAGACAGAGATGCTGAGTAAGAGACCTTTCTGAGCCTCCAGGG-3'

ClinVar aggregate classification (germline): Likely pathogenic (1 of 4 stars; one submission).

Conditions:
Joubert syndrome. Also called: CEREBELLOPARENCHYMAL DISORDER IV; JOUBERT-BOLTSHAUSER SYNDROME; Familial aplasia of the vermis. Identifiers: Orphanet 475, MedGen C5979921, MONDO:0018772.
Meckel-Gruber syndrome. Also called: DYSENCEPHALIA SPLANCHNOCYSTICA; GRUBER SYNDROME; Dysencephalia splachnocystica. Identifiers: Orphanet 564, MedGen C0265215, MONDO:0018921.

Submission:

Labcorp Genetics (formerly Invitae), Labcorp
Classification: Likely pathogenic for Joubert syndrome; Meckel-Gruber syndrome. Last evaluated: 2023-02-23. Review status: criteria provided, single submitter. Criteria: Invitae Variant Classification Sherloc (09022015). Collection method: clinical testing. Allele origin: germline.
Comment: In summary, the currently available evidence indicates that the variant is pathogenic, but additional data are needed to prove that conclusively. Therefore, this variant has been classified as Likely Pathogenic. Algorithms developed to predict the effect of sequence changes on RNA splicing suggest that this variant may disrupt the consensus splice site. This variant has not been reported in the literature in individuals affected with B9D1-related conditions. This variant is not present in population databases (gnomAD no frequency). This sequence change affects an acceptor splice site in intron 4 of the B9D1 gene. It is expected to disrupt RNA splicing. Variants that disrupt the donor or acceptor splice site typically lead to a loss of protein function (PMID: 16199547), and loss-of-function variants in B9D1 are known to be pathogenic (PMID: 21493627).

Literature cited by the submitters: PubMed 16199547; PubMed 21493627.